The following is an entry in ClinVar:

NM_016239.4(MYO15A):c.10156dup (p.Ser3386fs)

Gene: MYO15A (myosin XVA; plus strand). Cytogenetic location: 17p11.2.
Variant type: Duplication.
Coding change: c.10156dup on transcript NM_016239.4 (MANE Select); coding-DNA position 10156, one base duplicated (A; older notation c.10156dupA).
Protein change: p.Ser3386fs; shifts the reading frame from serine 3386.
Molecular consequence: frameshift variant.
Genome position (GRCh38, 1-based): chr17:18,171,711, A duplicated. VCF-style (leftmost placement, unchanged base first): chr17-18171710-C-CA. GRCh37 (hg19) VCF-style: chr17-18075024-C-CA.
Other names: short protein forms S3386fs.
Identifiers: ClinVar variation 3601296 (VCV003601296.1).

ClinVar aggregate classification (germline): Pathogenic (1 of 4 stars; one submission).

Conditions:
Autosomal recessive nonsyndromic hearing loss 3. Also called: NEUROSENSORY NONSYNDROMIC RECESSIVE DEAFNESS 3. Identifiers: Orphanet 90636, MedGen C1838263, MONDO:0010860, OMIM 600316.

Submission:

Institute of Rare Diseases, West China Hospital, Sichuan University
Classification: Pathogenic for Autosomal recessive nonsyndromic hearing loss 3. Last evaluated: 2025-01-09. Review status: criteria provided, single submitter. Criteria: ClinGen HL ACMG Specifications v1. Collection method: research. Allele origin: germline. Affected: yes.
Comment: PVS1;PM3;PM2_Supporting